The following is an entry in ClinVar:

ClinVar aggregate classification (germline): Uncertain significance (1 of 4 stars; one submission).

Conditions:
Inborn genetic diseases. Identifiers: MedGen C0950123, MeSH D030342.

Submission:

Ambry Genetics
Classification: Uncertain significance for Inborn genetic diseases. Last evaluated: 2025-09-18. Review status: criteria provided, single submitter. Criteria: Ambry Variant Classification Scheme 2023. Collection method: clinical testing. Allele origin: germline.
Comment: The p.T1643S variant (also known as c.4928C>G), located in coding exon 20 of the FANCM gene, results from a C to G substitution at nucleotide position 4928. The threonine at codon 1643 is replaced by serine, an amino acid with similar properties. This amino acid position is conserved. In addition, this alteration is predicted to be tolerated by in silico analysis. Based on the available evidence, the clinical significance of this variant remains unclear.

NM_020937.4(FANCM):c.4928C>G (p.Thr1643Ser)

Gene: FANCM (FA complementation group M; plus strand). Cytogenetic location: 14q21.2.
Variant type: single nucleotide variant.
Coding change: c.4928C>G on transcript NM_020937.4 (MANE Select); coding-DNA position 4928, C replaced by G.
Protein change: p.Thr1643Ser; replaces threonine 1643 with serine.
Molecular consequence: missense variant.
Genome position (GRCh38, 1-based): chr14:45,188,950, C>G. VCF-style: chr14-45188950-C-G. GRCh37 (hg19) VCF-style: chr14-45658153-C-G.
Other names: c.4850C>G, p.Thr1617Ser (NM_001308133.2); short protein forms T1617S, T1643S.
Identifiers: ClinVar variation 4619433 (VCV004619433.1).